The following is an entry in ClinVar:

ClinVar aggregate classification (germline): Uncertain significance (1 of 4 stars; one submission).

Conditions:
GLUT1 deficiency syndrome 1, autosomal recessive. Identifiers: MedGen C3149117.

Submission:

Labcorp Genetics (formerly Invitae), Labcorp
Classification: Uncertain significance for GLUT1 deficiency syndrome 1, autosomal recessive. Last evaluated: 2025-11-09. Review status: criteria provided, single submitter. Criteria: Invitae Variant Classification Sherloc (09022015). Collection method: clinical testing. Allele origin: germline.
Comment: This sequence change affects codon 324 of the SLC2A1 mRNA. It is a 'silent' change, meaning that it does not change the encoded amino acid sequence of the SLC2A1 protein. This variant also falls at the last nucleotide of exon 7, which is part of the consensus splice site for this exon. This variant is not present in population databases (gnomAD no frequency). This variant has not been reported in the literature in individuals affected with SLC2A1-related conditions. Variants that disrupt the consensus splice site are a relatively common cause of aberrant splicing (PMID: 17576681, 9536098). Algorithms developed to predict the effect of sequence changes on RNA splicing suggest that this variant is not likely to affect RNA splicing. In summary, the available evidence is currently insufficient to determine the role of this variant in disease. Therefore, it has been classified as a Variant of Uncertain Significance.

Literature cited by the submitters: PubMed 17576681; PubMed 9536098.

NM_006516.4(SLC2A1):c.972G>T (p.Ser324=)

Gene: SLC2A1 (solute carrier family 2 member 1; minus strand). Cytogenetic location: 1p34.2.
Variant type: single nucleotide variant.
Coding change: c.972G>T on transcript NM_006516.4 (MANE Select); coding-DNA position 972, G replaced by T.
Protein change: p.Ser324=; no amino-acid change (serine 324 retained).
Molecular consequence: synonymous variant.
Genome position (GRCh38, 1-based): chr1:42,929,210, C>A on the plus strand (G>T on the coding strand, the complement: SLC2A1 is on the minus strand). VCF-style: chr1-42929210-C-A. GRCh37 (hg19) VCF-style: chr1-43394881-C-A.
Identifiers: ClinVar variation 4730803 (VCV004730803.1).